The following is an entry in ClinVar:

NM_000304.4(PMP22):c.372G>A (p.Trp124Ter)

Gene: PMP22 (peripheral myelin protein 22; minus strand). Cytogenetic location: 17p12.
Variant type: single nucleotide variant.
Coding change: c.372G>A on transcript NM_000304.4 (MANE Select); coding-DNA position 372, G replaced by A.
Protein change: p.Trp124Ter; replaces tryptophan 124 with a stop codon.
Molecular consequence: nonsense. On other transcripts: non-coding transcript variant (2).
Genome position (GRCh38, 1-based): chr17:15,231,028, C>T on the plus strand (G>A on the coding strand, the complement: PMP22 is on the minus strand). VCF-style: chr17-15231028-C-T. GRCh37 (hg19) VCF-style: chr17-15134345-C-T.
Other names: c.372G>A, p.Trp124Ter (NM_001281455.2, NM_001281456.2, NM_153321.3 and 1 more transcripts); short protein forms W124*.
Identifiers: ClinVar variation 637713 (VCV000637713.5), dbSNP rs1597597678, ClinGen allele CA398739707.

ClinVar aggregate classification (germline): Pathogenic. Review status: criteria provided, single submitter (1 of 4 stars). 2 submissions from 2 submitters: Pathogenic (1). 1 of the submissions does not count toward it. Last evaluated 2022-05-09.

Conditions:
Charcot-Marie-Tooth disease, type I (CMT1). Also called: Charcot-Marie-Tooth, Type 1; Charcot-Marie-Tooth disease type 1. Identifiers: Orphanet 65753, MedGen C0751036, MONDO:0019011.
Hereditary liability to pressure palsies (HNPP). Also called: POLYNEUROPATHY, FAMILIAL RECURRENT; TOMACULOUS NEUROPATHY; Hereditary Neuropathy with Liability to Pressure Palsies. Identifiers: Orphanet 640, MedGen C0393814, MONDO:0008087, OMIM 162500.

Submissions (2):

Labcorp Genetics (formerly Invitae), Labcorp
Classification: Pathogenic for Charcot-Marie-Tooth disease, type I. Last evaluated: 2022-05-09. Review status: criteria provided, single submitter. Criteria: Invitae Variant Classification Sherloc (09022015). Collection method: clinical testing. Allele origin: germline.
Comment: For these reasons, this variant has been classified as Pathogenic. This variant disrupts a region of the PMP22 protein in which other variant(s) (p.Leu145Argfs*10) have been determined to be pathogenic (PMID: 21149811, 21252112, 23965407). This suggests that this is a clinically significant region of the protein, and that variants that disrupt it are likely to be disease-causing. ClinVar contains an entry for this variant (Variation ID: 637713). This premature translational stop signal has been observed in individual(s) with clinical features of PMP22-related conditions (PMID: 8894410, 16288874). This variant is not present in population databases (gnomAD no frequency). This sequence change creates a premature translational stop signal (p.Trp124*) in the PMP22 gene. While this is not anticipated to result in nonsense mediated decay, it is expected to disrupt the last 37 amino acid(s) of the PMP22 protein.

Inherited Neuropathy Consortium
Classification: Uncertain significance for Hereditary liability to pressure palsies. Review status: no assertion criteria provided. Collection method: literature only. Allele origin: germline. Affected: yes. Not counted in ClinVar's aggregate classification.

Literature cited by the submitters: PubMed 21149811 (cited by Labcorp Genetics (formerly Invitae), Labcorp); PubMed 21252112 (cited by Labcorp Genetics (formerly Invitae), Labcorp); PubMed 23965407 (cited by Labcorp Genetics (formerly Invitae), Labcorp); PubMed 8894410 (cited by Labcorp Genetics (formerly Invitae), Labcorp); PubMed 16288874 (cited by Labcorp Genetics (formerly Invitae), Labcorp and Inherited Neuropathy Consortium).